The following is an entry in ClinVar:

NM_001197104.2(KMT2A):c.7562G>A (p.Arg2521His)

Gene: KMT2A (lysine methyltransferase 2A; plus strand). Cytogenetic location: 11q23.3.
Variant type: single nucleotide variant.
Coding change: c.7562G>A on transcript NM_001197104.2 (MANE Select); coding-DNA position 7562, G replaced by A.
Protein change: p.Arg2521His; replaces arginine 2521 with histidine.
Molecular consequence: missense variant.
Genome position (GRCh38, 1-based): chr11:118,503,454, G>A. VCF-style: chr11-118503454-G-A. GRCh37 (hg19) VCF-style: chr11-118374169-G-A.
Other names: c.7562G>A (NM_001197104.1); c.7553G>A, p.Arg2518His (NM_005933.4); short protein forms R2521H, R2518H.
Identifiers: ClinVar variation 1414285 (VCV001414285.9), dbSNP rs1555046685, ClinGen allele CA382806020.
Genomic context (GRCh38, chr11:118,503,454, plus strand): 5'-CCAAAGCTCCACCCATGCAAGTAGAAGGATCTGCCAAGGAATTACAGGCACCACGGAAAC[G>A]CACAGTCAAAGTGACACTGACACCTCTAAAAATGGAAAATGAGAGTCAATCCAAAAATGC-3'
Protein context (NP_001184033.1, residues 2511-2531): SAKELQAPRK[Arg2521His]TVKVTLTPLK

ClinVar aggregate classification (germline): Conflicting classifications of pathogenicity. Review status: criteria provided, conflicting classifications (1 of 4 stars). 2 submissions from 2 submitters: Uncertain significance (1); Likely benign (1). Last evaluated 2026-08-21.

Conditions:
KMT2A-related disorder. Also called: KMT2A-related condition.

Allele frequency attached by ClinVar (database versions not stated): gnomAD 0.00001; gnomAD exomes 0.00001.
gnomAD v4.1: 21 of 1,613,922 alleles (0.0013%); highest among the groups gnomAD compares: Admixed American, 0.005%; no homozygotes.

Submissions (2):

PreventionGenetics, part of Exact Sciences
Classification: Likely benign for KMT2A-related condition. Last evaluated: 2026-08-21. Review status: criteria provided, single submitter. Criteria: ACMG Guidelines, 2015. Collection method: clinical testing. Allele origin: germline.
Comment: This variant is classified as likely benign based on ACMG/AMP sequence variant interpretation guidelines (Richards et al. 2015 PMID: 25741868, with internal and published modifications).

Labcorp Genetics (formerly Invitae), Labcorp
Classification: Uncertain significance. Last evaluated: 2024-11-19. Review status: criteria provided, single submitter. Criteria: Invitae Variant Classification Sherloc (09022015). Collection method: clinical testing. Allele origin: germline.
Comment: This sequence change replaces arginine, which is basic and polar, with histidine, which is basic and polar, at codon 2521 of the KMT2A protein (p.Arg2521His). This variant is present in population databases (no rsID available, gnomAD 0.009%). This variant has not been reported in the literature in individuals affected with KMT2A-related conditions. ClinVar contains an entry for this variant (Variation ID: 1414285). Invitae Evidence Modeling of protein sequence and biophysical properties (such as structural, functional, and spatial information, amino acid conservation, physicochemical variation, residue mobility, and thermodynamic stability) indicates that this missense variant is not expected to disrupt KMT2A protein function with a negative predictive value of 95%. In summary, the available evidence is currently insufficient to determine the role of this variant in disease. Therefore, it has been classified as a Variant of Uncertain Significance.